The following is an entry in ClinVar:

ClinVar aggregate classification (germline): Pathogenic. Review status: reviewed by expert panel (3 of 4 stars). 3 submissions from 3 submitters: Pathogenic (1). 2 of the submissions do not count toward it. Last evaluated 2016-09-08.

Conditions:
Breast-ovarian cancer, familial, susceptibility to, 1 (BROVCA1). Also called: BRCA1 Hereditary Breast and Ovarian Cancer; OVARIAN CANCER, SUSCEPTIBILITY TO. Identifiers: Orphanet 145, MedGen C2676676, MONDO:0011450, OMIM 604370. Disease mechanism: loss of function.

Submissions (3):

Evidence-based Network for the Interpretation of Germline Mutant Alleles (ENIGMA)
Classification: Pathogenic for Breast-ovarian cancer, familial, susceptibility to, 1. Last evaluated: 2016-09-08. Review status: reviewed by expert panel. Criteria: ENIGMA BRCA1/2 Classification Criteria (2015). Collection method: curation. Allele origin: germline.
Comment: Variant allele predicted to encode a truncated non-functional protein.

Consortium of Investigators of Modifiers of BRCA1/2 (CIMBA), c/o University of Cambridge
Classification: Pathogenic for Breast-ovarian cancer, familial, susceptibility to, 1. Last evaluated: 2015-10-02. Review status: criteria provided, single submitter. Criteria: CIMBA Mutation Classification guidelines May 2016. Collection method: clinical testing. Allele origin: germline. Not counted in ClinVar's aggregate classification.

Breast Cancer Information Core (BIC) (BRCA1)
Classification: Pathogenic for Breast-ovarian cancer, familial 1. Last evaluated: 2013-02-20. Review status: no assertion criteria provided. Collection method: clinical testing. Allele origin: somatic. Affected: yes. Observed: 1 variant allele. Not counted in ClinVar's aggregate classification.

NM_007294.4(BRCA1):c.959_960del (p.Arg320fs)

Gene: BRCA1 (BRCA1 DNA repair associated; minus strand). Cytogenetic location: 17q21.31.
Variant type: Deletion.
Coding change: c.959_960del on transcript NM_007294.4 (MANE Select); coding-DNA positions 959 to 960, 2 bases deleted (GA; older notation c.959_960delGA).
Protein change: p.Arg320fs; shifts the reading frame from arginine 320.
Molecular consequence: frameshift variant. On other transcripts: intron variant (137).
Genome position (GRCh38, 1-based): chr17:43,094,571-43,094,572, TC deleted on the plus strand (GA on the coding strand, the reverse complement: BRCA1 is on the minus strand); deleting any 2 consecutive bases within chr17:43,094,571-43,094,573 gives the same sequence; the c. name uses the placement nearest the transcript's 3' end. VCF-style (leftmost placement, unchanged base first): chr17-43094570-ATC-A. GRCh37 (hg19) VCF-style: chr17-41246587-ATC-A.
Other names: 1078delGA; c.784+172_784+173del (NM_001408400.1, NM_001408392.1, NM_001407986.1 and 13 more transcripts); c.664+172_664+173del (NM_001408441.1, NM_001408437.1, NM_001408429.1 and 12 more transcripts); c.787+172_787+173del (NM_001407979.1, NM_001407977.1, NM_001407982.1 and 19 more transcripts); c.646+172_646+173del (NM_001408410.1, NM_001408458.1, NM_001408469.1 and 11 more transcripts); c.709+172_709+173del (NM_001408415.1, NM_001408412.1, NM_001408409.1 and 2 more transcripts); c.577+172_577+173del (NM_001408483.1, NM_001408481.1, NM_001408480.1 and 9 more transcripts); c.746_747del, p.Arg249fs (NM_001407571.1, NM_001407853.1, NM_001407894.1 and 9 more transcripts); and 42 more; short protein forms R320fs, R273fs, R24fs, R250fs, R279fs, R152fs, R208fs, R232fs.
Identifiers: ClinVar variation 55764 (VCV000055764.5), dbSNP rs397509339, ClinGen allele CA003984.